The following is an entry in ClinVar:

NM_014989.7(RIMS1):c.1666G>A (p.Val556Ile)

Genes: RIMS1 (regulating synaptic membrane exocytosis 1; plus strand), LOC129996709 (ATAC-STARR-seq lymphoblastoid active region 24736; plus strand). Cytogenetic location: 6q13.
Variant type: single nucleotide variant.
Coding change: c.1666G>A on transcript NM_014989.7 (MANE Select); coding-DNA position 1666, G replaced by A.
Protein change: p.Val556Ile; replaces valine 556 with isoleucine.
Molecular consequence: missense variant.
Genome position (GRCh38, 1-based): chr6:72,183,137, G>A. VCF-style: chr6-72183137-G-A. GRCh37 (hg19) VCF-style: chr6-72892840-G-A.
Other names: short protein forms V556I.
Identifiers: ClinVar variation 3694316 (VCV003694316.2).

ClinVar aggregate classification (germline): Uncertain significance (1 of 4 stars; one submission).

gnomAD v4.1: 21 of 1,591,416 alleles (0.0013%); highest among the groups gnomAD compares: Admixed American, 0.0018%; no homozygotes.

Submission:

Labcorp Genetics (formerly Invitae), Labcorp
Classification: Uncertain significance. Last evaluated: 2024-08-04. Review status: criteria provided, single submitter. Criteria: Invitae Variant Classification Sherloc (09022015). Collection method: clinical testing. Allele origin: germline.
Comment: This sequence change replaces valine, which is neutral and non-polar, with isoleucine, which is neutral and non-polar, at codon 556 of the RIMS1 protein (p.Val556Ile). The frequency data for this variant in the population databases is considered unreliable, as metrics indicate poor data quality at this position in the gnomAD database. This variant has not been reported in the literature in individuals affected with RIMS1-related conditions. An algorithm developed to predict the effect of missense changes on protein structure and function (PolyPhen-2) suggests that this variant is likely to be tolerated. In summary, the available evidence is currently insufficient to determine the role of this variant in disease. Therefore, it has been classified as a Variant of Uncertain Significance.